The following is an entry in ClinVar:

NM_000444.6(PHEX):c.883del (p.Ala295fs)

Gene: PHEX (phosphate regulating endopeptidase X-linked; plus strand). Cytogenetic location: Xp22.11.
Variant type: Deletion.
Coding change: c.883del on transcript NM_000444.6 (MANE Select); coding-DNA position 883, one base deleted (G; older notation c.883delG).
Protein change: p.Ala295fs; shifts the reading frame from alanine 295.
Molecular consequence: frameshift variant.
Genome position (GRCh38, 1-based): chrX:22,096,988, G deleted; the last of 2 consecutive G bases (chrX:22,096,987-22,096,988); deleting either gives the same sequence. VCF-style (leftmost placement, unchanged base first): chrX-22096986-AG-A. GRCh37 (hg19) VCF-style: chrX-22115104-AG-A.
Other names: c.883del, p.Ala295fs (NM_001282754.2); short protein forms A295fs.
Identifiers: ClinVar variation 372455 (VCV000372455.5), dbSNP rs1057517791, ClinGen allele CA16043307.

ClinVar aggregate classification (germline): Pathogenic. Review status: criteria provided, multiple submitters, no conflicts (2 of 4 stars). 2 submissions from 2 submitters: Pathogenic (2). Last evaluated 2023-06-29.

Submissions (2):

Labcorp Genetics (formerly Invitae), Labcorp
Classification: Pathogenic. Last evaluated: 2023-06-29. Review status: criteria provided, single submitter. Criteria: Invitae Variant Classification Sherloc (09022015). Collection method: clinical testing. Allele origin: germline.
Comment: This variant has not been reported in the literature in individuals affected with PHEX-related conditions. For these reasons, this variant has been classified as Pathogenic. ClinVar contains an entry for this variant (Variation ID: 372455). This variant is not present in population databases (gnomAD no frequency). This sequence change creates a premature translational stop signal (p.Ala295Profs*6) in the PHEX gene. It is expected to result in an absent or disrupted protein product. Loss-of-function variants in PHEX are known to be pathogenic (PMID: 9097956, 9106524, 19219621).

GeneDx
Classification: Pathogenic. Last evaluated: 2015-09-16. Review status: criteria provided, single submitter. Criteria: GeneDx Variant Classification (06012015). Collection method: clinical testing. Allele origin: germline. Affected: yes.
Comment: The c.883delG pathogenic variant in the PHEX gene causes a frameshift starting with codon Alanine 295, changes this amino acid to a Proline residue and creates a premature Stop codon at position 6 of the new reading frame, denoted p.Ala295ProfsX6. This variant is predicted to cause loss of normal protein function either through protein truncation or nonsense-mediated mRNA decay. Although this variant has not been previously reported to our knowledge, we interpret is to be pathogenic.

Literature cited by the submitters: PubMed 9097956 (cited by Labcorp Genetics (formerly Invitae), Labcorp); PubMed 9106524 (cited by Labcorp Genetics (formerly Invitae), Labcorp); PubMed 19219621 (cited by Labcorp Genetics (formerly Invitae), Labcorp).